The following is an entry in ClinVar:

ClinVar aggregate classification (germline): Uncertain significance (1 of 4 stars; one submission).

Allele frequency attached by ClinVar (database versions not stated): gnomAD exomes below 0.00001.
gnomAD v4.1: 2 of 1,552,418 alleles (0.00013%); highest among the groups gnomAD compares: Non-Finnish European, 0.00018%; no homozygotes.

Submission:

Labcorp Genetics (formerly Invitae), Labcorp
Classification: Uncertain significance. Last evaluated: 2024-02-27. Review status: criteria provided, single submitter. Criteria: Invitae Variant Classification Sherloc (09022015). Collection method: clinical testing. Allele origin: germline.
Comment: This sequence change falls in intron 6 of the PNLIP gene. It does not directly change the encoded amino acid sequence of the PNLIP protein. It affects a nucleotide within the consensus splice site. This variant is not present in population databases (gnomAD no frequency). This variant has not been reported in the literature in individuals affected with PNLIP-related conditions. ClinVar contains an entry for this variant (Variation ID: 1944908). Variants that disrupt the consensus splice site are a relatively common cause of aberrant splicing (PMID: 17576681, 9536098). Algorithms developed to predict the effect of sequence changes on RNA splicing suggest that this variant may disrupt the consensus splice site. In summary, the available evidence is currently insufficient to determine the role of this variant in disease. Therefore, it has been classified as a Variant of Uncertain Significance.

Literature cited by the submitters: PubMed 17576681; PubMed 9536098.

NM_000936.4(PNLIP):c.571+5G>A

Gene: PNLIP (pancreatic lipase; plus strand). Cytogenetic location: 10q25.3.
Variant type: single nucleotide variant.
Coding change: c.571+5G>A on transcript NM_000936.4 (MANE Select); 5 bases into the intron after coding-DNA position 571, G replaced by A.
Molecular consequence: intron variant.
Genome position (GRCh38, 1-based): chr10:116,553,843, G>A. VCF-style: chr10-116553843-G-A. GRCh37 (hg19) VCF-style: chr10-118313355-G-A.
Identifiers: ClinVar variation 1944908 (VCV001944908.5), dbSNP rs564310503, ClinGen allele CA214643450.
Genomic context (GRCh38, chr10:116,553,843, plus strand): 5'-CCACGCTGCTGGGGAGGCTGGAAGGAGAACCAATGGGACCATTGGACGCATCACAGGTTG[G>A]TGAAAACAGTGAAAGATACCAGGGGGGTTGAGGCAAGATGATCTCTTGAGGCCAGCAGTT-3'